The following is an entry in ClinVar:

ClinVar aggregate classification (germline): Uncertain significance (1 of 4 stars; one submission).

Conditions:
Congenital contractural arachnodactyly (CCA). Also called: BEALS SYNDROME; Beals-Hecht syndrome; Arthrogryposis, distal, type 9. Identifiers: Orphanet 115, MedGen C0220668, MONDO:0007363, OMIM 121050.

gnomAD v4.1: 4 of 1,613,622 alleles (0.00025%); highest among the groups gnomAD compares: Non-Finnish European, 0.00034%; no homozygotes.

Submission:

Labcorp Genetics (formerly Invitae), Labcorp
Classification: Uncertain significance for Congenital contractural arachnodactyly. Last evaluated: 2025-10-17. Review status: criteria provided, single submitter. Criteria: Invitae Variant Classification Sherloc (09022015). Collection method: clinical testing. Allele origin: germline.
Comment: This sequence change replaces leucine, which is neutral and non-polar, with isoleucine, which is neutral and non-polar, at codon 2023 of the FBN2 protein (p.Leu2023Ile). This variant is present in population databases (rs375990083, gnomAD 0.002%). This variant has not been reported in the literature in individuals affected with FBN2-related conditions. ClinVar contains an entry for this variant (Variation ID: 3694529). Invitae Evidence Modeling of protein sequence and biophysical properties (such as structural, functional, and spatial information, amino acid conservation, physicochemical variation, residue mobility, and thermodynamic stability) indicates that this missense variant is not expected to disrupt FBN2 protein function with a negative predictive value of 80%. In summary, the available evidence is currently insufficient to determine the role of this variant in disease. Therefore, it has been classified as a Variant of Uncertain Significance.

NM_001999.4(FBN2):c.6067C>A (p.Leu2023Ile)

Gene: FBN2 (fibrillin 2; minus strand). Cytogenetic location: 5q23.3.
Variant type: single nucleotide variant.
Coding change: c.6067C>A on transcript NM_001999.4 (MANE Select); coding-DNA position 6067, C replaced by A.
Protein change: p.Leu2023Ile; replaces leucine 2023 with isoleucine.
Molecular consequence: missense variant.
Genome position (GRCh38, 1-based): chr5:128,300,916, G>T on the plus strand (C>A on the coding strand, the complement: FBN2 is on the minus strand). VCF-style: chr5-128300916-G-T. GRCh37 (hg19) VCF-style: chr5-127636608-G-T.
Other names: short protein forms L2023I.
Identifiers: ClinVar variation 3694529 (VCV003694529.2).
Genomic context (GRCh38, chr5:128,300,916, plus strand): 5'-AGATGCATCTGAAGGATCCCTCCAAATTCTGACAGGTACCAGGAGAGCAAGAGCCGGGAA[G>T]GGCGACACACTCATTAGTGTCTTTAGAGAAAAAGAAGAGAAAAAATAATTTAAGCATGAG-3'
Protein context (NP_001990.2, residues 2013-2033): NCIDTNECVA[Leu2023Ile]PGSCSPGTCQ